The following is an entry in ClinVar:

ClinVar aggregate classification (germline): Uncertain significance (1 of 4 stars; one submission).

Submission:

Ambry Genetics
Classification: Uncertain significance. Last evaluated: 2026-05-24. Review status: criteria provided, single submitter. Criteria: Ambry Variant Classification Scheme 2023. Collection method: clinical testing. Allele origin: germline.
Comment: The p.S579A variant (also known as c.1735T>G), located in coding exon 2 of the CDK12 gene, results from a T to G substitution at nucleotide position 1735. The serine at codon 579 is replaced by alanine, an amino acid with similar properties. This amino acid position is conserved. In addition, this alteration is predicted to be tolerated by in silico analysis. Based on the available evidence, the clinical significance of this variant remains unclear.

NM_016507.4(CDK12):c.1735T>G (p.Ser579Ala)

Gene: CDK12 (cyclin dependent kinase 12; plus strand). Cytogenetic location: 17q12.
Variant type: single nucleotide variant.
Coding change: c.1735T>G on transcript NM_016507.4 (MANE Select); coding-DNA position 1735, T replaced by G.
Protein change: p.Ser579Ala; replaces serine 579 with alanine.
Molecular consequence: missense variant.
Genome position (GRCh38, 1-based): chr17:39,471,567, T>G. VCF-style: chr17-39471567-T-G. GRCh37 (hg19) VCF-style: chr17-37627820-T-G.
Other names: c.1735T>G, p.Ser579Ala (NM_015083.4); short protein forms S579A.
Identifiers: ClinVar variation 4868557 (VCV004868557.1).
Genomic context (GRCh38, chr17:39,471,567, plus strand): 5'-GCTCTTCCACAGCAACCACCTCTGCCTCCTTCTCAGCCAGCATTTAGTCAGGTTCCTGCT[T>G]CCAGTACTTCAACTTTGCCCCCTTCTACTCACTCAAAGACATCTGCTGTGTCCTCTCAGG-3'
Protein context (NP_057591.2, residues 569-589): SQPAFSQVPA[Ser579Ala]STSTLPPSTH